The following is an entry in ClinVar:

ClinVar aggregate classification (germline): Pathogenic. Review status: reviewed by expert panel (3 of 4 stars). 6 submissions from 6 submitters: Pathogenic (1). 5 of the submissions do not count toward it. Last evaluated 2021-08-19.

Conditions:
Glycogen storage disease, type II (IOPD). Also called: POMPE DISEASE, INFANTILE-ONSET; GLYCOGEN STORAGE DISEASE II, INFANTILE-ONSET; ACID ALPHA-GLUCOSIDASE DEFICIENCY, INFANTILE-ONSET; GAA DEFICIENCY, INFANTILE-ONSET; ACID MALTASE DEFICIENCY, INFANTILE-ONSET; CARDIOMEGALIA GLYCOGENICA DIFFUSA. Identifiers: Orphanet 365, MedGen C0017921, MONDO:0009290, OMIM 232300.

Submissions (6):

ClinGen Lysosomal Storage Disorder Variant Curation Expert Panel
Classification: Pathogenic for Glycogen storage disease, type II. Last evaluated: 2021-08-19. Review status: reviewed by expert panel. Criteria: clingen_lsd_acmg_specifications_v2-1. Collection method: curation. Allele origin: germline. Inheritance: Autosomal recessive inheritance.
Comment: The NM_000152.5:c.2136_2137del (p.Phe713ProfsTer23) variant in GAA is a frameshift variant predicted to cause a premature stop codon in biologically-relevant-exon 15/20, predicted to lead to nonsense mediated decay in a gene in which loss-of-function is an established disease mechanism (PVS1). A patient with this variant was reported to have deficient GAA activity and to be on enzyme replacement therapy for Pompe disease (PMID: 25614309, 27896092)(PP4). This patient is compound heterozygous, phase unknown, for the variant and a pathogenic variant in GAA, c.-32-13T>G ( PMID: 25614309, 27896092)(PM3_Supporting). There is a ClinVar entry for this variant (Variation ID: 556718; 1 star review status) with one submitter classifying the variant as likely pathogenic. In summary, this variant meets the criteria to be classified as pathogenic for Pompe disease. GAA-specific ACMG/AMP criteria met, based on the specifications of the ClinGen Lysosomal Storage Disorders VCEP (Specification Version 2.0): PVS1, PM2_Supporting, PM3_Supporting, PP4. (Classification approved on August 17th, 2021)

Genomenon, Inc
Classification: Pathogenic for Glycogen storage disease, type II. Last evaluated: 2026-07-01. Review status: criteria provided, single submitter. Criteria: Genomenon Sequence Variant Interpretation Standards - Updated. Collection method: curation. Allele origin: germline. Affected: yes. Not counted in ClinVar's aggregate classification.
Comment: GAA p.Phe713ProfsTer23 (c.2136_2137del) is a frameshift variant that is predicted to introduce a premature termination codon and result in a truncated or absent protein product. This variant has been observed in at least one proband with a GAA-related disorder (PMID:20033296;25614309). It is absent or not present at a significant frequency in gnomAD. In conclusion, we classify GAA p.Phe713ProfsTer23 (c.2136_2137del) as a pathogenic variant.

Labcorp Genetics (formerly Invitae), Labcorp
Classification: Pathogenic for Glycogen storage disease, type II. Last evaluated: 2025-04-23. Review status: criteria provided, single submitter. Criteria: Invitae Variant Classification Sherloc (09022015). Collection method: clinical testing. Allele origin: germline. Not counted in ClinVar's aggregate classification.
Comment: This sequence change creates a premature translational stop signal (p.Phe713Profs*23) in the GAA gene. It is expected to result in an absent or disrupted protein product. Loss-of-function variants in GAA are known to be pathogenic (PMID: 18425781, 22252923). This variant is not present in population databases (gnomAD no frequency). This premature translational stop signal has been observed in individual(s) with Pompe disease (PMID: 25614309). This variant is also known as c.2136-7delGT. ClinVar contains an entry for this variant (Variation ID: 556718). For these reasons, this variant has been classified as Pathogenic.

Revvity Omics, Revvity
Classification: Pathogenic. Last evaluated: 2025-02-27. Review status: criteria provided, single submitter. Criteria: ACMG Guidelines, 2015. Collection method: clinical testing. Allele origin: germline. Not counted in ClinVar's aggregate classification.

Baylor Genetics
Classification: Pathogenic for Glycogen storage disease, type II. Last evaluated: 2023-04-24. Review status: criteria provided, single submitter. Criteria: ACMG Guidelines, 2015. Collection method: clinical testing. Allele origin: unknown. Not counted in ClinVar's aggregate classification.

Counsyl
Classification: Likely pathogenic for Glycogen storage disease, type II. Last evaluated: 2018-02-14. Review status: no assertion criteria provided. Collection method: clinical testing. Allele origin: unknown. Not counted in ClinVar's aggregate classification.

Literature cited by the submitters: PubMed 20033296 (cited by Genomenon, Inc); PubMed 25614309 (cited by 3 submitters); PubMed 18425781 (cited by Labcorp Genetics (formerly Invitae), Labcorp); PubMed 22252923 (cited by Labcorp Genetics (formerly Invitae), Labcorp).

NM_000152.5(GAA):c.2136_2137del (p.Phe713fs)

Gene: GAA (alpha glucosidase; plus strand). Cytogenetic location: 17q25.3.
Variant type: Deletion.
Coding change: c.2136_2137del on transcript NM_000152.5 (MANE Select); coding-DNA positions 2136 to 2137, 2 bases deleted (GT; older notation c.2136_2137delGT).
Protein change: p.Phe713fs; shifts the reading frame from phenylalanine 713.
Molecular consequence: frameshift variant.
Genome position (GRCh38, 1-based): chr17:80,113,313-80,113,314, GT deleted; deleting any 2 consecutive bases within chr17:80,113,312-80,113,314 gives the same sequence; the c. name uses the placement nearest the transcript's 3' end. VCF-style (leftmost placement, unchanged base first): chr17-80113311-CTG-C. GRCh37 (hg19) VCF-style: chr17-78087110-CTG-C.
Other names: NM_000152.5(GAA):c.2136_2137del; p.Phe713fs; c.2136_2137del (LRG_673t1); c.2136_2137del, p.Phe713fs (NM_001079803.3, NM_001079804.3); short protein forms F713fs.
Identifiers: ClinVar variation 556718 (VCV000556718.14), dbSNP rs1555601780, ClinGen allele CA658795274.